The following is an entry in ClinVar:

ClinVar aggregate classification (germline): Pathogenic (1 of 4 stars; one submission).

Conditions:
Osteogenesis imperfecta type I (OI1). Also called: OI, TYPE I; OSTEOGENESIS IMPERFECTA TARDA; OSTEOGENESIS IMPERFECTA WITH BLUE SCLERAE; Osteogenesis imperfecta type 1; Lobstein's Disease; Lobstein disease. Identifiers: Orphanet 216796, Orphanet 666, MedGen C0023931, MONDO:0008146, OMIM 166200. Disease mechanism: loss of function.

Submission:

Labcorp Genetics (formerly Invitae), Labcorp
Classification: Pathogenic for Osteogenesis imperfecta type I. Last evaluated: 2017-02-20. Review status: criteria provided, single submitter. Criteria: Invitae Variant Classification Sherloc (09022015). Collection method: clinical testing. Allele origin: germline.
Comment: For these reasons, this variant has been classified as Pathogenic. While this particular variant has not been reported in the literature, loss-of-function variants in COL1A1 are known to be pathogenic (PMID: 9443882, 9295084, 7942841). This sequence change deletes 1 nucleotide from exon 32 of the COL1A1 mRNA (c.2217delA), causing a frameshift at codon 741. This creates a premature translational stop signal (p.Pro741Leufs*25) and is expected to result in an absent or disrupted protein product.

Literature cited by the submitters: PubMed 9443882; PubMed 9295084; PubMed 7942841.

NM_000088.4(COL1A1):c.2217del (p.Pro741fs)

Gene: COL1A1 (collagen type I alpha 1 chain; minus strand). Cytogenetic location: 17q21.33.
Variant type: Deletion.
Coding change: c.2217del on transcript NM_000088.4 (MANE Select); coding-DNA position 2217, one base deleted (A; older notation c.2217delA).
Protein change: p.Pro741fs; shifts the reading frame from proline 741.
Molecular consequence: frameshift variant.
Genome position (GRCh38, 1-based): chr17:50,191,401, T deleted on the plus strand (A on the coding strand, the reverse complement: COL1A1 is on the minus strand). VCF-style (leftmost placement, unchanged base first): chr17-50191400-CT-C. GRCh37 (hg19) VCF-style: chr17-48268761-CT-C.
Other names: c.2217delA (NM_000088.3); short protein forms P741fs.
Identifiers: ClinVar variation 456748 (VCV000456748.7), dbSNP rs1555573004, ClinGen allele CA658656706.